The following is an entry in ClinVar:

ClinVar aggregate classification (germline): Uncertain significance (1 of 4 stars; one submission).

Submission:

CeGaT Center for Human Genetics Tuebingen
Classification: Uncertain significance. Last evaluated: 2025-12-01. Review status: criteria provided, single submitter. Criteria: CeGaT Center For Human Genetics Tuebingen Variant Classification Criteria Version 2. Collection method: clinical testing. Allele origin: germline. Affected: yes. Observed: 1 variant allele.
Comment: KCNN2: PM2

NM_021614.4(KCNN2):c.899G>C (p.Gly300Ala)

Gene: KCNN2 (potassium calcium-activated channel subfamily N member 2; plus strand). Cytogenetic location: 5q22.3.
Variant type: single nucleotide variant.
Coding change: c.899G>C on transcript NM_021614.4 (MANE Select); coding-DNA position 899, G replaced by C.
Protein change: p.Gly300Ala; replaces glycine 300 with alanine.
Molecular consequence: missense variant. On other transcripts: non-coding transcript variant (1).
Genome position (GRCh38, 1-based): chr5:114,363,038, G>C. VCF-style: chr5-114363038-G-C. GRCh37 (hg19) VCF-style: chr5-113698735-G-C.
Other names: c.1097G>C, p.Gly366Ala (NM_001372233.1); short protein forms G300A, G366A.
Identifiers: ClinVar variation 4822792 (VCV004822792.4).